The following is an entry in ClinVar:

ClinVar aggregate classification (germline): Uncertain significance. Review status: criteria provided, multiple submitters, no conflicts (2 of 4 stars). 2 submissions from 2 submitters: Uncertain significance (2). Last evaluated 2025-02-04.

Conditions:
Benign neonatal seizures. Also called: Convulsions benign familial neonatal dominant form; Autosomal dominant form of benign neonatal seizures; Benign familial neonatal epilepsy; Benign neonatal familial convulsions; Benign familial neonatal seizures. Identifiers: Orphanet 1949, MedGen C0220669, MONDO:0016027.

Allele frequency attached by ClinVar (database versions not stated): TOPMed 0.00002; ExAC 0.00005; gnomAD 0.00006 and 0.00005; gnomAD exomes 0.00007.
gnomAD v4.1: 45 of 1,614,014 alleles (0.0028%); highest among the groups gnomAD compares: Admixed American, 0.0017%; no homozygotes.

Submissions (2):

Labcorp Genetics (formerly Invitae), Labcorp
Classification: Uncertain significance for Benign neonatal seizures. Last evaluated: 2025-02-04. Review status: criteria provided, single submitter. Criteria: Invitae Variant Classification Sherloc (09022015). Collection method: clinical testing. Allele origin: germline.
Comment: This sequence change replaces arginine, which is basic and polar, with tryptophan, which is neutral and slightly polar, at codon 188 of the KCNQ3 protein (p.Arg188Trp). This variant is present in population databases (rs754551218, gnomAD 0.05%). This variant has not been reported in the literature in individuals affected with KCNQ3-related conditions. ClinVar contains an entry for this variant (Variation ID: 206002). Invitae Evidence Modeling of protein sequence and biophysical properties (such as structural, functional, and spatial information, amino acid conservation, physicochemical variation, residue mobility, and thermodynamic stability) indicates that this missense variant is not expected to disrupt KCNQ3 protein function with a negative predictive value of 80%. In summary, the available evidence is currently insufficient to determine the role of this variant in disease. Therefore, it has been classified as a Variant of Uncertain Significance.

GeneDx
Classification: Uncertain significance. Last evaluated: 2016-01-12. Review status: criteria provided, single submitter. Criteria: GeneDx Variant Classification (06012015). Collection method: clinical testing. Allele origin: germline. Affected: yes.
Comment: The R188W variant has not been published as a pathogenic variant, nor has it been reported as a benign polymorphism to our knowledge. It was not observed in approximately 6,500 individuals of European and African American ancestry in the NHLBI Exome Sequencing Project, indicating it is not a common benign variant in these populations. The R188W variant is a non-conservative amino acid substitution, which is likely to impact secondary protein structure as these residues differ in polarity, charge, size and/or other properties. Additionally, this substitution occurs at a position that is conserved across species, and in silico analysis predicts this variant is probably damaging to the protein structure/function. However, missense variants in nearby residues have not been reported in the Human Gene Mutation Database in association with KCNQ3-related disorders (Stenson et al., 2014). Therefore, based on the currently available information, it is unclear whether this variant is a pathogenic variant or a rare benign variant.

NM_004519.4(KCNQ3):c.562C>T (p.Arg188Trp)

Gene: KCNQ3 (potassium voltage-gated channel subfamily Q member 3; minus strand). Cytogenetic location: 8q24.22.
Variant type: single nucleotide variant.
Coding change: c.562C>T on transcript NM_004519.4 (MANE Select); coding-DNA position 562, C replaced by T.
Protein change: p.Arg188Trp; replaces arginine 188 with tryptophan.
Molecular consequence: missense variant.
Genome position (GRCh38, 1-based): chr8:132,184,283, G>A on the plus strand (C>T on the coding strand, the complement: KCNQ3 is on the minus strand). VCF-style: chr8-132184283-G-A. GRCh37 (hg19) VCF-style: chr8-133196530-G-A.
Other names: p.R188W:CGG>TGG; c.202C>T, p.Arg68Trp (NM_001204824.2); short protein forms R188W, R68W.
Identifiers: ClinVar variation 206002 (VCV000206002.5), dbSNP rs754551218, ClinGen allele CA315668.